The following is an entry in ClinVar:

NM_006231.4(POLE):c.2905A>G (p.Lys969Glu)

Gene: POLE (DNA polymerase epsilon, catalytic subunit; minus strand). Cytogenetic location: 12q24.33.
Variant type: single nucleotide variant.
Coding change: c.2905A>G on transcript NM_006231.4 (MANE Select); coding-DNA position 2905, A replaced by G.
Protein change: p.Lys969Glu; replaces lysine 969 with glutamic acid.
Molecular consequence: missense variant.
Genome position (GRCh38, 1-based): chr12:132,661,124, T>C on the plus strand (A>G on the coding strand, the complement: POLE is on the minus strand). VCF-style: chr12-132661124-T-C. GRCh37 (hg19) VCF-style: chr12-133237710-T-C.
Other names: short protein forms K969E.
Identifiers: ClinVar variation 4844257 (VCV004844257.1).

ClinVar aggregate classification (germline): Uncertain significance (1 of 4 stars; one submission).

Conditions:
Hereditary cancer-predisposing syndrome. Also called: Neoplastic Syndromes, Hereditary; Tumor predisposition; Hereditary Cancer Syndrome; Hereditary neoplastic syndrome. Identifiers: Orphanet 140162, MedGen C0027672, MeSH D009386, MONDO:0015356.

Submission:

Ambry Genetics
Classification: Uncertain significance for Hereditary cancer-predisposing syndrome. Last evaluated: 2026-01-22. Review status: criteria provided, single submitter. Criteria: Ambry Variant Classification Scheme 2023. Collection method: clinical testing. Allele origin: germline.
Comment: The p.K969E variant (also known as c.2905A>G), located in coding exon 25 of the POLE gene, results from an A to G substitution at nucleotide position 2905. The lysine at codon 969 is replaced by glutamic acid, an amino acid with similar properties. This amino acid position is conserved. In addition, this alteration is predicted to be deleterious by in silico analysis. Based on the available evidence, the clinical significance of this variant remains unclear.